The following is an entry in ClinVar:

NM_002936.6(RNASEH1):c.103C>T (p.Arg35Cys)

Gene: RNASEH1 (ribonuclease H1; minus strand). Cytogenetic location: 2p25.3.
Variant type: single nucleotide variant.
Coding change: c.103C>T on transcript NM_002936.6 (MANE Select); coding-DNA position 103, C replaced by T.
Protein change: p.Arg35Cys; replaces arginine 35 with cysteine.
Molecular consequence: missense variant. On other transcripts: non-coding transcript variant (7), 5 prime UTR variant (1).
Genome position (GRCh38, 1-based): chr2:3,558,158, G>A on the plus strand (C>T on the coding strand, the complement: RNASEH1 is on the minus strand). VCF-style: chr2-3558158-G-A. GRCh37 (hg19) VCF-style: chr2-3605748-G-A.
Other names: c.25C>T, p.Arg9Cys (NM_001286834.3); c.-487C>T (NM_001286837.3); c.103C>T, p.Arg35Cys (NM_001378271.1, NM_001378272.1, NM_001378273.1); short protein forms R35C, R9C.
Identifiers: ClinVar variation 3649334 (VCV003649334.2).
Genomic context (GRCh38, chr2:3,558,158, plus strand): 5'-CGGCAGGGAGGCGCCTCGGCGGGCGGGCCACTCACCAGGTCAGAAAGACCCCGGTCTTGC[G>A]GCCCCTCCTCACGGCATAGAACATCCCGAACCCGCGAGAGCCGCGGCGGCAGGGCAAGGC-3'
Protein context (NP_002927.2, residues 25-45): FGMFYAVRRG[Arg35Cys]KTGVFLTWNE

ClinVar aggregate classification (germline): Uncertain significance (1 of 4 stars; one submission).

gnomAD v4.1: 1 of 1,602,328 alleles (0.000062%); no homozygotes.

Submission:

Labcorp Genetics (formerly Invitae), Labcorp
Classification: Uncertain significance. Last evaluated: 2024-04-09. Review status: criteria provided, single submitter. Criteria: Invitae Variant Classification Sherloc (09022015). Collection method: clinical testing. Allele origin: germline.
Comment: This sequence change replaces arginine, which is basic and polar, with cysteine, which is neutral and slightly polar, at codon 35 of the RNASEH1 protein (p.Arg35Cys). The frequency data for this variant in the population databases is considered unreliable, as metrics indicate poor data quality at this position in the gnomAD database. This variant has not been reported in the literature in individuals affected with RNASEH1-related conditions. Advanced modeling of protein sequence and biophysical properties (such as structural, functional, and spatial information, amino acid conservation, physicochemical variation, residue mobility, and thermodynamic stability) performed at Invitae indicates that this missense variant is expected to disrupt RNASEH1 protein function with a positive predictive value of 80%. In summary, the available evidence is currently insufficient to determine the role of this variant in disease. Therefore, it has been classified as a Variant of Uncertain Significance.